The following is an entry in ClinVar:

NM_000426.4(LAMA2):c.411G>A (p.Ala137=)

Gene: LAMA2 (laminin subunit alpha 2; plus strand). Cytogenetic location: 6q22.33.
Variant type: single nucleotide variant.
Coding change: c.411G>A on transcript NM_000426.4 (MANE Select); coding-DNA position 411, G replaced by A.
Protein change: p.Ala137=; no amino-acid change (alanine 137 retained).
Molecular consequence: synonymous variant.
Genome position (GRCh38, 1-based): chr6:129,098,187, G>A. VCF-style: chr6-129098187-G-A. GRCh37 (hg19) VCF-style: chr6-129419332-G-A.
Other names: p.Ala137=; c.411G>A, p.Ala137= (NM_001079823.2).
Identifiers: ClinVar variation 256069 (VCV000256069.64), dbSNP rs149347601, ClinGen allele CA3992334.

ClinVar aggregate classification (germline): Conflicting classifications of pathogenicity. Review status: criteria provided, conflicting classifications (1 of 4 stars). 8 submissions from 8 submitters: Uncertain significance (1); Benign (4); Likely benign (3). Last evaluated 2026-09-01.

Conditions:
LAMA2-related muscular dystrophy (LAMA2-RD). Also called: Laminin alpha 2-related dystrophy. Identifiers: MedGen C5679788, MONDO:0100228.
Congenital muscular dystrophy due to partial LAMA2 deficiency. Identifiers: MedGen C1842898.

Allele frequency attached by ClinVar (database versions not stated): 1000 Genomes Project 30x 0.00156; 1000 Genomes Project 0.00180; gnomAD 0.00206 and 0.00224; TOPMed 0.00225; gnomAD exomes 0.00293 and 0.00352; ESP Exome Variant Server 0.00300; ExAC 0.00311.
gnomAD v4.1: 5,455 of 1,614,008 alleles (0.34%); highest among the groups gnomAD compares: South Asian, 0.49%; 18 homozygotes.

Submissions (8):

CeGaT Center for Human Genetics Tuebingen
Classification: Likely benign. Last evaluated: 2026-09-01. Review status: criteria provided, single submitter. Criteria: CeGaT Center For Human Genetics Tuebingen Variant Classification Criteria Version 2. Collection method: clinical testing. Allele origin: germline. Affected: yes. Observed: 14 variant alleles.
Comment: LAMA2: BP4, BP7, BS2

Labcorp Genetics (formerly Invitae), Labcorp
Classification: Benign for LAMA2-related muscular dystrophy. Last evaluated: 2026-02-04. Review status: criteria provided, single submitter. Criteria: Invitae Variant Classification Sherloc (09022015). Collection method: clinical testing. Allele origin: germline.

Mayo Clinic Laboratories, Mayo Clinic
Classification: Benign. Last evaluated: 2022-12-06. Review status: criteria provided, single submitter. Criteria: ACMG Guidelines, 2015. Collection method: clinical testing. Allele origin: germline. Observed: 22 variant alleles.
Comment: BS1, BS2, BP4, BP7

GeneDx
Classification: Likely benign. Last evaluated: 2021-04-20. Review status: criteria provided, single submitter. Criteria: GeneDx Variant Classification Process June 2021. Collection method: clinical testing. Allele origin: germline. Affected: yes.
Comment: This variant is associated with the following publications: (PMID: 12552556, 30055037)

Illumina Laboratory Services, Illumina
Classification: Uncertain significance for Congenital muscular dystrophy due to partial LAMA2 deficiency. Last evaluated: 2018-01-13. Review status: criteria provided, single submitter. Criteria: ICSL Variant Classification Criteria 13 December 2019. Collection method: clinical testing. Allele origin: germline.

Athena Diagnostics
Classification: Benign. Last evaluated: 2017-11-03. Review status: criteria provided, single submitter. Criteria: Athena Diagnostics Criteria. Collection method: clinical testing. Allele origin: germline.

Eurofins Ntd Llc (ga)
Classification: Likely benign. Last evaluated: 2016-12-28. Review status: criteria provided, single submitter. Criteria: EGL Classification Definitions 2015. Collection method: clinical testing. Allele origin: germline. Observed: 1 variant allele, 1 heterozygote.

PreventionGenetics, part of Exact Sciences
Classification: Benign. Review status: criteria provided, single submitter. Criteria: ACMG Guidelines, 2015. Collection method: clinical testing. Allele origin: germline.

Literature cited by the submitters: PubMed 12552556 (cited by Athena Diagnostics).